The following is an entry in ClinVar:

ClinVar aggregate classification (germline): Pathogenic/Likely pathogenic. Review status: criteria provided, multiple submitters, no conflicts (2 of 4 stars). 2 submissions from 2 submitters: Pathogenic (1); Likely pathogenic (1). Last evaluated 2024-12-19.

Conditions:
USH2A-related disorder. Also called: USH2A-related condition; USH2A-related disorders. Identifiers: MedGen CN239332.

Submissions (2):

PreventionGenetics, part of Exact Sciences
Classification: Likely pathogenic for USH2A-related condition. Last evaluated: 2024-12-19. Review status: criteria provided, single submitter. Criteria: ACMG Guidelines, 2015. Collection method: clinical testing. Allele origin: germline.
Comment: The USH2A c.8224-1G>T variant is predicted to disrupt the AG splice acceptor site and interfere with normal splicing. To our knowledge, this variant has not been reported in the literature or in a large population database (gnomAD), indicating this variant is rare. Variants impacting this splice acceptor site have been reported in individuals wish USH2A-related disease (c.8224-1G>C, Gao et al. 2020. PubMed ID: 32188678; c.8224-1G>A, Supplementary Table 1, Schlottmann. 2023. PubMed ID: 37217489). Variants that disrupt the consensus splice acceptor site in USH2A are expected to be pathogenic. This variant is interpreted as likely pathogenic.

Labcorp Genetics (formerly Invitae), Labcorp
Classification: Pathogenic. Last evaluated: 2023-05-21. Review status: criteria provided, single submitter. Criteria: Invitae Variant Classification Sherloc (09022015). Collection method: clinical testing. Allele origin: germline.
Comment: This sequence change affects an acceptor splice site in intron 41 of the USH2A gene. It is expected to disrupt RNA splicing. Variants that disrupt the donor or acceptor splice site typically lead to a loss of protein function (PMID: 16199547), and loss-of-function variants in USH2A are known to be pathogenic (PMID: 10729113, 10909849, 20507924, 25649381). This variant is not present in population databases (gnomAD no frequency). For these reasons, this variant has been classified as Pathogenic. Algorithms developed to predict the effect of sequence changes on RNA splicing suggest that this variant may disrupt the consensus splice site. Disruption of this splice site has been observed in individual(s) with retinitis pigmentosa and/or Usher syndrome (PMID: 32188678, 34625933). In at least one individual the data is consistent with being in trans (on the opposite chromosome) from a pathogenic variant.

Literature cited by the submitters: PubMed 16199547 (cited by Labcorp Genetics (formerly Invitae), Labcorp); PubMed 10729113 (cited by Labcorp Genetics (formerly Invitae), Labcorp); PubMed 10909849 (cited by Labcorp Genetics (formerly Invitae), Labcorp); PubMed 20507924 (cited by Labcorp Genetics (formerly Invitae), Labcorp); PubMed 25649381 (cited by Labcorp Genetics (formerly Invitae), Labcorp); PubMed 32188678 (cited by Labcorp Genetics (formerly Invitae), Labcorp); PubMed 34625933 (cited by Labcorp Genetics (formerly Invitae), Labcorp).

NM_206933.4(USH2A):c.8224-1G>T

Gene: USH2A (usherin; minus strand). Cytogenetic location: 1q41.
Variant type: single nucleotide variant.
Coding change: c.8224-1G>T on transcript NM_206933.4 (MANE Select); the canonical splice acceptor site of the intron before coding-DNA position 8224, G replaced by T.
Molecular consequence: splice acceptor variant.
Genome position (GRCh38, 1-based): chr1:215,879,099, C>A on the plus strand (G>T on the coding strand, the complement: USH2A is on the minus strand). VCF-style: chr1-215879099-C-A. GRCh37 (hg19) VCF-style: chr1-216052441-C-A.
Other names: c.8224-1G>T (NM_206933.2).
Identifiers: ClinVar variation 2866708 (VCV002866708.4), dbSNP rs1664846558, ClinGen allele CA344832838.